The following is an entry in ClinVar:

NM_001369.3(DNAH5):c.113A>G (p.Asn38Ser)

Gene: DNAH5 (dynein axonemal heavy chain 5; minus strand). Cytogenetic location: 5p15.2.
Variant type: single nucleotide variant.
Coding change: c.113A>G on transcript NM_001369.3 (MANE Select); coding-DNA position 113, A replaced by G.
Protein change: p.Asn38Ser; replaces asparagine 38 with serine.
Molecular consequence: missense variant.
Genome position (GRCh38, 1-based): chr5:13,931,189, T>C on the plus strand (A>G on the coding strand, the complement: DNAH5 is on the minus strand). VCF-style: chr5-13931189-T-C. GRCh37 (hg19) VCF-style: chr5-13931298-T-C.
Other names: short protein forms N38S.
Identifiers: ClinVar variation 1045587 (VCV001045587.10), dbSNP rs1163468590, ClinGen allele CA359230197.
Genomic context (GRCh38, chr5:13,931,189, plus strand): 5'-GCATCCTCCACTTCGGTTTTGTTCAGGTCCAAACAGGAAGCCACAATTGCAAATAAGTAG[T>C]TATGCCTCGCATCCAAAAGAGCCCGCTTGGCTTCCTTCTCTCCCTTCAGTCTTTGCTAAA-3'
Protein context (NP_001360.1, residues 28-48): AKRALLDARH[Asn38Ser]YLFAIVASCL

ClinVar aggregate classification (germline): Uncertain significance. Review status: criteria provided, single submitter (1 of 4 stars). 2 submissions from 2 submitters: Uncertain significance (1). 1 of the submissions does not count toward it. Last evaluated 2022-07-05.

Conditions:
Primary ciliary dyskinesia. Also called: Ciliary dyskinesia. Identifiers: Orphanet 244, MedGen C0008780, MONDO:0016575, HP:0012265.

Allele frequency attached by ClinVar (database versions not stated): gnomAD exomes below 0.00001; TOPMed below 0.00001; gnomAD 0.00001.
gnomAD v4.1: 2 of 1,614,026 alleles (0.00012%); highest among the groups gnomAD compares: Non-Finnish European, 0.00017%; no homozygotes.

Submissions (2):

Labcorp Genetics (formerly Invitae), Labcorp
Classification: Uncertain significance for Primary ciliary dyskinesia. Last evaluated: 2022-07-05. Review status: criteria provided, single submitter. Criteria: Invitae Variant Classification Sherloc (09022015). Collection method: clinical testing. Allele origin: germline.
Comment: This sequence change replaces asparagine, which is neutral and polar, with serine, which is neutral and polar, at codon 38 of the DNAH5 protein (p.Asn38Ser). This variant is present in population databases (no rsID available, gnomAD 0.007%). This variant has not been reported in the literature in individuals affected with DNAH5-related conditions. ClinVar contains an entry for this variant (Variation ID: 1045587). Advanced modeling of protein sequence and biophysical properties (such as structural, functional, and spatial information, amino acid conservation, physicochemical variation, residue mobility, and thermodynamic stability) performed at Invitae indicates that this missense variant is not expected to disrupt DNAH5 protein function. In summary, the available evidence is currently insufficient to determine the role of this variant in disease. Therefore, it has been classified as a Variant of Uncertain Significance.

Natera, Inc.
Classification: Uncertain significance for Primary ciliary dyskinesia. Last evaluated: 2020-06-25. Review status: no assertion criteria provided. Collection method: clinical testing. Allele origin: germline. Not counted in ClinVar's aggregate classification.